The following is an entry in ClinVar:

ClinVar aggregate classification (germline): Likely benign. Review status: criteria provided, multiple submitters, no conflicts (2 of 4 stars). 2 submissions from 2 submitters: Likely benign (2). Last evaluated 2025-05-15.

Conditions:
Tuberous sclerosis 2 (TSC2). Identifiers: Orphanet 805, MedGen C1860707, MONDO:0013199, OMIM 613254.

Submissions (2):

Myriad Genetics, Inc.
Classification: Likely benign for Tuberous sclerosis 2. Last evaluated: 2025-05-15. Review status: criteria provided, single submitter. Criteria: Myriad Autosomal Dominant, Autosomal Recessive and X-Linked Classification Criteria (2023). Collection method: clinical testing. Allele origin: unknown.
Comment: This variant is considered likely benign. This variant is intronic and is not expected to impact mRNA splicing.

Labcorp Genetics (formerly Invitae), Labcorp
Classification: Likely benign for Tuberous sclerosis 2. Last evaluated: 2022-07-13. Review status: criteria provided, single submitter. Criteria: Invitae Variant Classification Sherloc (09022015). Collection method: clinical testing. Allele origin: germline.

NM_000548.5(TSC2):c.1840-7del

Gene: TSC2 (TSC complex subunit 2; plus strand). Cytogenetic location: 16p13.3.
Variant type: Deletion.
Coding change: c.1840-7del on transcript NM_000548.5 (MANE Select); 7 bases into the intron before coding-DNA position 1840, one base deleted (C; older notation c.1840-7delC).
Molecular consequence: intron variant.
Genome position (GRCh38, 1-based): chr16:2,071,503, C deleted; the last of 2 consecutive C bases (chr16:2,071,502-2,071,503); deleting either gives the same sequence. VCF-style (leftmost placement, unchanged base first): chr16-2071501-TC-T. GRCh37 (hg19) VCF-style: chr16-2121502-TC-T.
Other names: c.1840-7del (NM_001363528.2, NM_001370404.1, NM_001077183.3 and 3 more transcripts); c.1729-7del (NM_001318827.2); c.1240-7del (NM_001318831.2); c.1693-7del (NM_001318829.2); c.1873-7del (NM_001318832.2).
Identifiers: ClinVar variation 2414430 (VCV002414430.7), dbSNP rs2543671453, ClinGen allele CA2580090601.
Genomic context (GRCh38, chr16:2,071,501, plus strand): 5'-AGGTGGGACGCCGCCTGTCCTGGGCCTGCACGAGCTTGGCTCTGGCTTTCACCATCCTCT[TC>T]CTGACAGGCCTTTGACTTCCTGTTGCTGCTGCGGGCCGACTCACTGCACCGCCTGGGCCT-3'